The following is an entry in ClinVar:

NM_004006.3(DMD):c.9439A>G (p.Ile3147Val)

Gene: DMD (dystrophin; minus strand). Cytogenetic location: Xp21.2.
Variant type: single nucleotide variant.
Coding change: c.9439A>G on transcript NM_004006.3 (MANE Select); coding-DNA position 9439, A replaced by G.
Protein change: p.Ile3147Val; replaces isoleucine 3147 with valine.
Molecular consequence: missense variant.
Genome position (GRCh38, 1-based): chrX:31,209,622, T>C on the plus strand (A>G on the coding strand, the complement: DMD is on the minus strand). VCF-style: chrX-31209622-T-C. GRCh37 (hg19) VCF-style: chrX-31227739-T-C.
Other names: c.9415A>G, p.Ile3139Val (NM_000109.4); c.9427A>G, p.Ile3143Val (NM_004009.3); c.9070A>G, p.Ile3024Val (NM_004010.3); c.5416A>G, p.Ile1806Val (NM_004011.4); c.5407A>G, p.Ile1803Val (NM_004012.4); c.2059A>G, p.Ile687Val (NM_004013.3, NM_004020.4, NM_004021.3 and 2 more transcripts); c.1252A>G, p.Ile418Val (NM_004014.3); c.235A>G, p.Ile79Val (NM_004015.3, NM_004016.3, NM_004017.3 and 2 more transcripts); short protein forms I1803V, I3139V, I3143V, I3147V, I418V, I1806V, I687V, I79V.
Identifiers: ClinVar variation 1041737 (VCV001041737.8), dbSNP rs1602729172, ClinGen allele CA412649996.
Genomic context (GRCh38, chrX:31,209,622, plus strand): 5'-TGTTGTGCTCTTGCTCCAGGCGGTCATAAATAGTGGTCAAACAATTAATAATCTGCAGGA[T>C]ATCCATGGGCTGGTCATTTTGCTTGAGGTTGTGCTGGTCCAAGGCATCACATGCAGCTGA-3'
Protein context (NP_003997.2, residues 3137-3157): NLKQNDQPMD[Ile3147Val]LQIINCLTTI

ClinVar aggregate classification (germline): Uncertain significance. Review status: criteria provided, single submitter (1 of 4 stars). 2 submissions from 2 submitters: Uncertain significance (1). 1 of the submissions does not count toward it. Last evaluated 2026-01-05.

Conditions:
Cardiomyopathy (CMYO). Also called: Cardiomyopathies. Identifiers: Orphanet 167848, MedGen C0878544, MONDO:0004994, HP:0001638. Inheritance: Various modes of inheritance.
Dystrophin deficiency.
Duchenne muscular dystrophy (DMD). Also called: MUSCULAR DYSTROPHY, PSEUDOHYPERTROPHIC PROGRESSIVE, DUCHENNE TYPE; Duchenne Muscular Dystrophy (DMD). Identifiers: Orphanet 98896, MedGen C0013264, MONDO:0010679, OMIM 310200.
Becker muscular dystrophy (BMD). Also called: Becker Muscular Dystrophy (BMD); MUSCULAR DYSTROPHY, PSEUDOHYPERTROPHIC PROGRESSIVE, BECKER TYPE. Identifiers: Orphanet 98895, MedGen C0917713, MONDO:0010311, OMIM 300376.

Allele frequency attached by ClinVar (database versions not stated): gnomAD exomes below 0.00001; TOPMed below 0.00001.
gnomAD v4.1: 2 of 1,211,700 alleles (0.00017%); highest among the groups gnomAD compares: Non-Finnish European, 0.00011%; no homozygotes.

Submissions (2):

Labcorp Genetics (formerly Invitae), Labcorp
Classification: Uncertain significance for Duchenne muscular dystrophy. Last evaluated: 2026-01-05. Review status: criteria provided, single submitter. Criteria: Invitae Variant Classification Sherloc (09022015). Collection method: clinical testing. Allele origin: germline.
Comment: This sequence change replaces isoleucine, which is neutral and non-polar, with valine, which is neutral and non-polar, at codon 3147 of the DMD protein (p.Ile3147Val). This variant is not present in population databases (gnomAD no frequency). This variant has not been reported in the literature in individuals affected with DMD-related conditions. ClinVar contains an entry for this variant (Variation ID: 1041737). Invitae Evidence Modeling of protein sequence and biophysical properties (such as structural, functional, and spatial information, amino acid conservation, physicochemical variation, residue mobility, and thermodynamic stability) indicates that this missense variant is not expected to disrupt DMD protein function with a negative predictive value of 95%. In summary, the available evidence is currently insufficient to determine the role of this variant in disease. Therefore, it has been classified as a Variant of Uncertain Significance.

Natera, Inc.
Classification: Uncertain significance for Becker muscular dystrophy; Cardiomyopathy; Duchenne muscular dystrophy; Dystrophin deficiency. Last evaluated: 2019-09-03. Review status: no assertion criteria provided. Collection method: clinical testing. Allele origin: germline. Not counted in ClinVar's aggregate classification.